The following is an entry in ClinVar:

NM_000188.3(HK1):c.1826C>T (p.Thr609Met)

Gene: HK1 (hexokinase 1; plus strand). Cytogenetic location: 10q22.1.
Variant type: single nucleotide variant.
Coding change: c.1826C>T on transcript NM_000188.3 (MANE Select); coding-DNA position 1826, C replaced by T.
Protein change: p.Thr609Met; replaces threonine 609 with methionine.
Molecular consequence: missense variant.
Genome position (GRCh38, 1-based): chr10:69,384,902, C>T. VCF-style: chr10-69384902-C-T. GRCh37 (hg19) VCF-style: chr10-71144658-C-T.
Other names: c.1838C>T, p.Thr613Met (NM_001322364.2, NM_001358263.1, NM_033497.3 and 1 more transcripts); c.1931C>T, p.Thr644Met (NM_001322365.2); c.1742C>T, p.Thr581Met (NM_001322366.1); c.1730C>T, p.Thr577Met (NM_001322367.1); c.1823C>T, p.Thr608Met (NM_033496.3); c.1790C>T, p.Thr597Met (NM_033500.2); c.1826C>T (NM_000188.2); short protein forms T577M, T581M, T597M, T608M, T609M, T613M, T644M.
Identifiers: ClinVar variation 1006766 (VCV001006766.9), dbSNP rs769433330, ClinGen allele CA5532686.

ClinVar aggregate classification (germline): Uncertain significance. Review status: criteria provided, multiple submitters, no conflicts (2 of 4 stars). 2 submissions from 2 submitters: Uncertain significance (2). Last evaluated 2024-09-18.

Allele frequency attached by ClinVar (database versions not stated): gnomAD below 0.00001 and 0.00001; ExAC 0.00001; gnomAD exomes 0.00001.
gnomAD v4.1: 11 of 1,614,080 alleles (0.00068%); highest among the groups gnomAD compares: East Asian, 0.0022%; no homozygotes.

Submissions (2):

Revvity Omics, Revvity
Classification: Uncertain significance. Last evaluated: 2024-09-18. Review status: criteria provided, single submitter. Criteria: ACMG Guidelines, 2015. Collection method: clinical testing. Allele origin: germline.

Labcorp Genetics (formerly Invitae), Labcorp
Classification: Uncertain significance. Last evaluated: 2022-05-10. Review status: criteria provided, single submitter. Criteria: Invitae Variant Classification Sherloc (09022015). Collection method: clinical testing. Allele origin: germline.
Comment: Algorithms developed to predict the effect of missense changes on protein structure and function output the following: SIFT: "Deleterious"; PolyPhen-2: "Benign"; Align-GVGD: "Class C0". The methionine amino acid residue is found in multiple mammalian species, which suggests that this missense change does not adversely affect protein function. In summary, the available evidence is currently insufficient to determine the role of this variant in disease. Therefore, it has been classified as a Variant of Uncertain Significance. This sequence change replaces threonine, which is neutral and polar, with methionine, which is neutral and non-polar, at codon 609 of the HK1 protein (p.Thr609Met). This variant is present in population databases (rs769433330, gnomAD 0.003%). This variant has not been reported in the literature in individuals affected with HK1-related conditions. ClinVar contains an entry for this variant (Variation ID: 1006766).